The following is an entry in ClinVar:

NM_032188.3(KAT8):c.287-3C>A

Gene: KAT8 (lysine acetyltransferase 8; plus strand). Cytogenetic location: 16p11.2.
Variant type: single nucleotide variant.
Coding change: c.287-3C>A on transcript NM_032188.3 (MANE Select); 3 bases into the intron before coding-DNA position 287, C replaced by A.
Molecular consequence: intron variant.
Genome position (GRCh38, 1-based): chr16:31,120,336, C>A. VCF-style: chr16-31120336-C-A. GRCh37 (hg19) VCF-style: chr16-31131657-C-A.
Other names: c.287-3C>A (NM_182958.4).
Identifiers: ClinVar variation 2497962 (VCV002497962.1), dbSNP rs1426911179, ClinGen allele CA2580091572.

ClinVar aggregate classification (germline): Uncertain significance (1 of 4 stars; one submission).

Submission:

GeneDx
Classification: Uncertain significance. Last evaluated: 2022-10-06. Review status: criteria provided, single submitter. Criteria: GeneDx Variant Classification Process June 2021. Collection method: clinical testing. Allele origin: germline. Affected: yes.
Comment: Not observed at significant frequency in large population cohorts (gnomAD); In silico analysis supports a deleterious effect on splicing; Has not been previously published as pathogenic or benign to our knowledge